The following is an entry in ClinVar:

NM_001458.5(FLNC):c.-2G>A

Gene: FLNC (filamin C; plus strand). Cytogenetic location: 7q32.1.
Variant type: single nucleotide variant.
Coding change: c.-2G>A on transcript NM_001458.5 (MANE Select); 2 bases upstream of the start codon, G replaced by A.
Molecular consequence: 5 prime UTR variant.
Genome position (GRCh38, 1-based): chr7:128,830,636, G>A. VCF-style: chr7-128830636-G-A. GRCh37 (hg19) VCF-style: chr7-128470690-G-A.
Other names: c.-2G>A (NM_001127487.2).
Identifiers: ClinVar variation 1798665 (VCV001798665.3), dbSNP rs776836536, ClinGen allele CA577737425.

ClinVar aggregate classification (germline): Uncertain significance (1 of 4 stars; one submission).

Conditions:
Cardiovascular phenotype. Identifiers: MedGen CN230736.

Allele frequency attached by ClinVar (database versions not stated): TOPMed below 0.00001; gnomAD 0.00001.
gnomAD v4.1: 9 of 1,611,830 alleles (0.00056%); no homozygotes.

Submission:

Ambry Genetics
Classification: Uncertain significance for Cardiovascular phenotype. Last evaluated: 2024-09-24. Review status: criteria provided, single submitter. Criteria: Ambry Variant Classification Scheme 2023. Collection method: clinical testing. Allele origin: germline.
Comment: The c.-2G>A variant is located in the 5' untranslated region (5&rsquo; UTR) of the FLNC gene. This variant results from a G to A substitution 2 nucleotides upstream from the first translated codon. This nucleotide position is not well conserved in available vertebrate species. Based on the available evidence, the clinical significance of this variant remains unclear.